The following is an entry in ClinVar:

NM_170606.3(KMT2C):c.3917A>G (p.Asp1306Gly)

Gene: KMT2C (lysine methyltransferase 2C; minus strand). Cytogenetic location: 7q36.1.
Variant type: single nucleotide variant.
Coding change: c.3917A>G on transcript NM_170606.3 (MANE Select); coding-DNA position 3917, A replaced by G.
Protein change: p.Asp1306Gly; replaces aspartic acid 1306 with glycine.
Molecular consequence: missense variant.
Genome position (GRCh38, 1-based): chr7:152,205,150, T>C on the plus strand (A>G on the coding strand, the complement: KMT2C is on the minus strand). VCF-style: chr7-152205150-T-C. GRCh37 (hg19) VCF-style: chr7-151902235-T-C.
Other names: short protein forms D1306G.
Identifiers: ClinVar variation 561044 (VCV000561044.2), dbSNP rs1249758583, ClinGen allele CA370108191.

ClinVar aggregate classification (germline): Uncertain significance (1 of 4 stars; one submission).

Conditions:
Intellectual disability. Also called: Intellectual functioning disability; intellectual disabilities; Intellectual developmental disorder. Identifiers: MedGen C3714756, MeSH D008607, MONDO:0001071, HP:0001249.

Submission:

Baylor Genetics
Classification: Uncertain significance for Intellectual disability. Last evaluated: 2017-09-01. Review status: criteria provided, single submitter. Criteria: ACMG Guidelines, 2015. Collection method: clinical testing. Allele origin: de novo. Inheritance: Autosomal dominant inheritance. Affected: yes.
Comment: Possibly pathogenic variants have been reported in this gene in an individual with Kleefstra syndrome (PMID:22726846) and one with autism (PMID: 22495309).

Literature cited by the submitters: PubMed 25326635.